The following is an entry in ClinVar:

ClinVar aggregate classification (germline): Uncertain significance. Review status: criteria provided, multiple submitters, no conflicts (2 of 4 stars). 3 submissions from 3 submitters: Uncertain significance (3). Last evaluated 2026-08-08.

Conditions:
Cardiovascular phenotype. Identifiers: MedGen CN230736.
Brugada syndrome 8 (BRGDA8). Identifiers: Orphanet 130, MedGen C2751083, MONDO:0013148, OMIM 613123.

gnomAD v4.1: 3 of 1,403,312 alleles (0.00021%); highest among the groups gnomAD compares: Non-Finnish European, 0.00028%; no homozygotes.

Submissions (3):

Ambry Genetics
Classification: Uncertain significance for Cardiovascular phenotype. Last evaluated: 2026-08-08. Review status: criteria provided, single submitter. Criteria: Ambry Variant Classification Scheme 2023. Collection method: clinical testing. Allele origin: germline.
Comment: The p.P1061Q variant (also known as c.3182C>A), located in coding exon 8 of the HCN4 gene, results from a C to A substitution at nucleotide position 3182. The proline at codon 1061 is replaced by glutamine, an amino acid with similar properties. This amino acid position is conserved. In addition, the in silico prediction for this alteration is inconclusive. Based on the available evidence, the clinical significance of this variant remains unclear.

Blueprint Genetics
Classification: Uncertain significance. Last evaluated: 2023-03-23. Review status: criteria provided, single submitter. Criteria: ACMG Guidelines, 2015. Collection method: clinical testing. Allele origin: germline.

Labcorp Genetics (formerly Invitae), Labcorp
Classification: Uncertain significance for Brugada syndrome 8. Last evaluated: 2022-06-22. Review status: criteria provided, single submitter. Criteria: Invitae Variant Classification Sherloc (09022015). Collection method: clinical testing. Allele origin: germline.
Comment: This sequence change replaces proline, which is neutral and non-polar, with glutamine, which is neutral and polar, at codon 1061 of the HCN4 protein (p.Pro1061Gln). This variant is not present in population databases (gnomAD no frequency). This variant has not been reported in the literature in individuals affected with HCN4-related conditions. Advanced modeling of protein sequence and biophysical properties (such as structural, functional, and spatial information, amino acid conservation, physicochemical variation, residue mobility, and thermodynamic stability) performed at Invitae indicates that this missense variant is not expected to disrupt HCN4 protein function. In summary, the available evidence is currently insufficient to determine the role of this variant in disease. Therefore, it has been classified as a Variant of Uncertain Significance.

NM_005477.3(HCN4):c.3182C>A (p.Pro1061Gln)

Gene: HCN4 (hyperpolarization activated cyclic nucleotide gated potassium channel 4; minus strand). Cytogenetic location: 15q24.1.
Variant type: single nucleotide variant.
Coding change: c.3182C>A on transcript NM_005477.3 (MANE Select); coding-DNA position 3182, C replaced by A.
Protein change: p.Pro1061Gln; replaces proline 1061 with glutamine.
Molecular consequence: missense variant.
Genome position (GRCh38, 1-based): chr15:73,322,911, G>T on the plus strand (C>A on the coding strand, the complement: HCN4 is on the minus strand). VCF-style: chr15-73322911-G-T. GRCh37 (hg19) VCF-style: chr15-73615252-G-T.
Other names: c.3182C>A (NM_005477.2); short protein forms P1061Q.
Identifiers: ClinVar variation 1380366 (VCV001380366.9), dbSNP rs1010963303, ClinGen allele CA393086056.